The following is an entry in ClinVar:

NM_001080517.3(SETD5):c.4207T>C (p.Ser1403Pro)

Gene: SETD5 (SET domain containing 5; plus strand). Cytogenetic location: 3p25.3.
Variant type: single nucleotide variant.
Coding change: c.4207T>C on transcript NM_001080517.3 (MANE Select); coding-DNA position 4207, T replaced by C.
Protein change: p.Ser1403Pro; replaces serine 1403 with proline.
Molecular consequence: missense variant.
Genome position (GRCh38, 1-based): chr3:9,475,969, T>C. VCF-style: chr3-9475969-T-C. GRCh37 (hg19) VCF-style: chr3-9517653-T-C.
Other names: c.3913T>C, p.Ser1305Pro (NM_001292043.2, NM_001349451.2); short protein forms S1305P, S1403P.
Identifiers: ClinVar variation 3361564 (VCV003361564.1).

ClinVar aggregate classification (germline): Uncertain significance (1 of 4 stars; one submission).

Submission:

GeneDx
Classification: Uncertain significance. Last evaluated: 2023-07-31. Review status: criteria provided, single submitter. Criteria: GeneDx Variant Classification Process June 2021. Collection method: clinical testing. Allele origin: germline. Affected: yes.
Comment: Not observed at significant frequency in large population cohorts (gnomAD); In silico analysis supports that this missense variant does not alter protein structure/function; Has not been previously published as pathogenic or benign to our knowledge